The following is an entry in ClinVar:

ClinVar aggregate classification (germline): Uncertain significance (1 of 4 stars; one submission).

gnomAD v4.1: 10 of 1,613,976 alleles (0.00062%); highest among the groups gnomAD compares: Middle Eastern, 0.016%; no homozygotes.

Submission:

Labcorp Genetics (formerly Invitae), Labcorp
Classification: Uncertain significance. Last evaluated: 2025-11-30. Review status: criteria provided, single submitter. Criteria: Invitae Variant Classification Sherloc (09022015). Collection method: clinical testing. Allele origin: germline.
Comment: This sequence change replaces isoleucine, which is neutral and non-polar, with valine, which is neutral and non-polar, at codon 290 of the FOCAD protein (p.Ile290Val). This variant is present in population databases (rs761092805, gnomAD 0.003%). This variant has not been reported in the literature in individuals affected with FOCAD-related conditions. Experimental studies and prediction algorithms are not available or were not evaluated, and the functional significance of this variant is currently unknown. In summary, the available evidence is currently insufficient to determine the role of this variant in disease. Therefore, it has been classified as a Variant of Uncertain Significance.

NM_001375567.1(FOCAD):c.868A>G (p.Ile290Val)

Gene: FOCAD (focadhesin; plus strand). Cytogenetic location: 9p21.3.
Variant type: single nucleotide variant.
Coding change: c.868A>G on transcript NM_001375567.1 (MANE Select); coding-DNA position 868, A replaced by G.
Protein change: p.Ile290Val; replaces isoleucine 290 with valine.
Molecular consequence: missense variant.
Genome position (GRCh38, 1-based): chr9:20,770,200, A>G. VCF-style: chr9-20770200-A-G. GRCh37 (hg19) VCF-style: chr9-20770199-A-G.
Other names: c.868A>G, p.Ile290Val (NM_001375568.1, NM_017794.5); c.763A>G, p.Ile255Val (NM_001375570.1); short protein forms I255V, I290V.
Identifiers: ClinVar variation 4798906 (VCV004798906.1).